The following is an entry in ClinVar:

ClinVar aggregate classification (germline): Benign/Likely benign. Review status: criteria provided, multiple submitters, no conflicts (2 of 4 stars). 7 submissions from 7 submitters: Benign (1); Likely benign (6). Last evaluated 2026-02-03.

Conditions:
Cardiovascular phenotype. Identifiers: MedGen CN230736.
Myofibrillar myopathy 5. Also called: FILAMINOPATHY, AUTOSOMAL DOMINANT; Filaminopathy (type). Identifiers: Orphanet 171445, MedGen C1836050, MONDO:0012289, OMIM 609524.
Distal myopathy with posterior leg and anterior hand involvement. Also called: WILLIAMS DISTAL MYOPATHY. Identifiers: Orphanet 63273, MedGen C3279722, MONDO:0013550, OMIM 614065.
Hypertrophic cardiomyopathy 26. Also called: Cardiomyopathy, familial hypertrophic, 26. Identifiers: Orphanet 75249, MedGen C4310749, MONDO:0014883, OMIM 617047.
FLNC-related disorder. Also called: FLNC-related disorders; FLNC-related condition.

Allele frequency attached by ClinVar (database versions not stated): gnomAD exomes 0.00008 and 0.00012; ExAC 0.00013; ESP Exome Variant Server 0.00016; gnomAD 0.00025; TOPMed 0.00048; 1000 Genomes Project 30x 0.00109; 1000 Genomes Project 0.00120.

Submissions (7):

Labcorp Genetics (formerly Invitae), Labcorp
Classification: Likely benign for Distal myopathy with posterior leg and anterior hand involvement; Myofibrillar myopathy 5; Hypertrophic cardiomyopathy 26. Last evaluated: 2026-02-03. Review status: criteria provided, single submitter. Criteria: Invitae Variant Classification Sherloc (09022015). Collection method: clinical testing. Allele origin: germline.

PreventionGenetics, part of Exact Sciences
Classification: Likely benign for FLNC-related condition. Last evaluated: 2025-06-03. Review status: criteria provided, single submitter. Criteria: ACMG Guidelines, 2015. Collection method: clinical testing. Allele origin: germline.
Comment: This variant is classified as likely benign based on ACMG/AMP sequence variant interpretation guidelines (Richards et al. 2015 PMID: 25741868, with internal and published modifications).

Molecular Diagnostic Laboratory for Inherited Cardiovascular Disease, Montreal Heart Institute
Classification: Benign. Last evaluated: 2025-04-09. Review status: criteria provided, single submitter. Criteria: ACMG Guidelines, 2015. Collection method: clinical testing. Allele origin: germline. Affected: no.
Comment: BS1

Blueprint Genetics
Classification: Likely benign. Last evaluated: 2024-11-11. Review status: criteria provided, single submitter. Criteria: ACMG Guidelines, 2015. Collection method: clinical testing. Allele origin: germline.

CeGaT Center for Human Genetics Tuebingen
Classification: Likely benign. Last evaluated: 2023-03-01. Review status: criteria provided, single submitter. Criteria: CeGaT Center For Human Genetics Tuebingen Variant Classification Criteria Version 2. Collection method: clinical testing. Allele origin: germline. Affected: yes. Observed: 2 variant alleles.
Comment: FLNC: BP4, BP7

GeneDx
Classification: Likely benign. Last evaluated: 2020-09-21. Review status: criteria provided, single submitter. Criteria: GeneDx Variant Classification Process June 2021. Collection method: clinical testing. Allele origin: germline. Affected: yes.

Ambry Genetics
Classification: Likely benign for Cardiovascular phenotype. Last evaluated: 2020-05-12. Review status: criteria provided, single submitter. Criteria: Ambry Variant Classification Scheme 2023. Collection method: clinical testing. Allele origin: germline.

NM_001458.5(FLNC):c.2799C>T (p.Thr933=)

Gene: FLNC (filamin C; plus strand). Cytogenetic location: 7q32.1.
Variant type: single nucleotide variant.
Coding change: c.2799C>T on transcript NM_001458.5 (MANE Select); coding-DNA position 2799, C replaced by T.
Protein change: p.Thr933=; no amino-acid change (threonine 933 retained).
Molecular consequence: synonymous variant.
Genome position (GRCh38, 1-based): chr7:128,843,565, C>T. VCF-style: chr7-128843565-C-T. GRCh37 (hg19) VCF-style: chr7-128483619-C-T.
Other names: c.2799C>T, p.Thr933= (NM_001127487.2).
Identifiers: ClinVar variation 511926 (VCV000511926.46), dbSNP rs202186772, ClinGen allele CA4474840.